The following is an entry in ClinVar:

ClinVar aggregate classification (germline): Pathogenic (1 of 4 stars; one submission).

Conditions:
Bardet-Biedl syndrome (BBS). Identifiers: Orphanet 110, MedGen C0752166, MONDO:0015229.

Allele frequency attached by ClinVar (database versions not stated): gnomAD exomes below 0.00001.
gnomAD v4.1: 1 of 1,613,252 alleles (0.000062%); highest among the groups gnomAD compares: Non-Finnish European, 0.000085%; no homozygotes.

Submission:

Labcorp Genetics (formerly Invitae), Labcorp
Classification: Pathogenic for Bardet-Biedl syndrome. Last evaluated: 2021-02-06. Review status: criteria provided, single submitter. Criteria: Invitae Variant Classification Sherloc (09022015). Collection method: clinical testing. Allele origin: germline.
Comment: For these reasons, this variant has been classified as Pathogenic. This variant disrupts the C-terminus of the BBS10 protein. Other variant(s) that disrupt this region (p.Val707*) have been determined to be pathogenic (PMID: 25982971, 22773737, 27486776, 20472660). This suggests that variants that disrupt this region of the protein are likely to be causative of disease. This sequence change creates a premature translational stop signal (p.Gln131*) in the BBS10 gene. While this is not anticipated to result in nonsense mediated decay, it is expected to disrupt the last 593 amino acid(s) of the BBS10 protein. This variant is not present in population databases (ExAC no frequency). This variant has not been reported in the literature in individuals with BBS10-related conditions.

Literature cited by the submitters: PubMed 25982971; PubMed 22773737; PubMed 27486776; PubMed 20472660.

NM_024685.4(BBS10):c.391C>T (p.Gln131Ter)

Gene: BBS10 (Bardet-Biedl syndrome 10; minus strand). Cytogenetic location: 12q21.2.
Variant type: single nucleotide variant.
Coding change: c.391C>T on transcript NM_024685.4 (MANE Select); coding-DNA position 391, C replaced by T.
Protein change: p.Gln131Ter; replaces glutamine 131 with a stop codon.
Molecular consequence: nonsense.
Genome position (GRCh38, 1-based): chr12:76,347,594, G>A on the plus strand (C>T on the coding strand, the complement: BBS10 is on the minus strand). VCF-style: chr12-76347594-G-A. GRCh37 (hg19) VCF-style: chr12-76741374-G-A.
Other names: short protein forms Q131*.
Identifiers: ClinVar variation 1456477 (VCV001456477.8), dbSNP rs1565810183, ClinGen allele CA385815377.